The following is an entry in ClinVar:

NM_001399.5(EDA):c.1067C>T (p.Ala356Val)

Gene: EDA (ectodysplasin A; plus strand). Cytogenetic location: Xq13.1.
Variant type: single nucleotide variant.
Coding change: c.1067C>T on transcript NM_001399.5 (MANE Select); coding-DNA position 1067, C replaced by T.
Protein change: p.Ala356Val; replaces alanine 356 with valine.
Molecular consequence: missense variant.
Genome position (GRCh38, 1-based): chrX:70,035,500, C>T. VCF-style: chrX-70035500-C-T. GRCh37 (hg19) VCF-style: chrX-69255350-C-T.
Other names: c.1061C>T, p.Ala354Val (NM_001005609.2); c.1052C>T, p.Ala351Val (NM_001005612.3); short protein forms A356V, A351V, A354V.
Identifiers: ClinVar variation 228255 (VCV000228255.11), dbSNP rs876657639, ClinGen allele CA10577181.
Genomic context (GRCh38, chrX:70,035,500, plus strand): 5'-TCGAGACGGGCAAGACCAACTACAACACTTGCTATACCGCAGGCGTCTGCCTCCTCAAGG[C>T]CCGGCAGAAGATCGCCGTCAAGATGGTGCACGCTGACATCTCCATCAACATGAGCAAGCA-3'
Protein context (NP_001390.1, residues 346-366): CYTAGVCLLK[Ala356Val]RQKIAVKMVH

ClinVar aggregate classification (germline): Pathogenic/Likely pathogenic. Review status: criteria provided, multiple submitters, no conflicts (2 of 4 stars). 2 submissions from 2 submitters: Pathogenic (1); Likely pathogenic (1). Last evaluated 2018-11-19.

Conditions:
Hypohidrotic X-linked ectodermal dysplasia (XHED). Also called: ECTODERMAL DYSPLASIA, HYPOHIDROTIC, 1; CST SYNDROME; Anhidrotic ectodermal dysplasia X-linked; Christ Siemens Touraine syndrome; ECTODERMAL DYSPLASIA 1, HYPOHIDROTIC, X-LINKED; ECTODERMAL DYSPLASIA 1, HYPOHIDROTIC/HAIR/TOOTH TYPE, X-LINKED. Identifiers: Orphanet 181, Orphanet 238468, MedGen C0162359, MONDO:0010585, OMIM 305100.

Submissions (2):

Labcorp Genetics (formerly Invitae), Labcorp
Classification: Pathogenic for Hypohidrotic X-linked ectodermal dysplasia. Last evaluated: 2018-11-19. Review status: criteria provided, single submitter. Criteria: Invitae Variant Classification Sherloc (09022015). Collection method: clinical testing. Allele origin: germline.
Comment: For these reasons, this variant has been classified as Pathogenic. This variant disrupts the p.Ala356 amino acid residue in EDA. Other variant(s) that disrupt this residue have been observed in individuals with EDA-related conditions (PMID: 9683615, 11279189), suggesting that it is a clinically significant residue. As a result, variants that disrupt this residue are likely to be causative of disease. Algorithms developed to predict the effect of sequence changes on RNA splicing suggest that this variant may create or strengthen a splice site, but this prediction has not been confirmed by published transcriptional studies. Algorithms developed to predict the effect of missense changes on protein structure and function (SIFT, PolyPhen-2, Align-GVGD) all suggest that this variant is likely to be disruptive, but these predictions have not been confirmed by published functional studies and their clinical significance is uncertain. This variant has been observed in an individual affected with hypohidrotic ectodermal dysplasia (PMID: 20979233). ClinVar contains an entry for this variant (Variation ID: 228255). This variant is not present in population databases (ExAC no frequency). This sequence change replaces alanine with valine at codon 356 of the EDA protein (p.Ala356Val). The alanine residue is highly conserved and there is a small physicochemical difference between alanine and valine.

Laboratory for Molecular Medicine, Mass General Brigham Personalized Medicine
Classification: Likely pathogenic for Hypohidrotic X-linked ectodermal dysplasia. Last evaluated: 2015-01-26. Review status: criteria provided, single submitter. Criteria: LMM Criteria. Collection method: clinical testing. Allele origin: germline. Inheritance: X-linked inheritance. Observed: 2 variant alleles.
Comment: The p.Ala356Val variant in EDA has been reported in 2 individuals with clinical features of X-linked hypohidrotic ectodermaldysplasia (XLHED)(Clauss 2010, Cluze au 2011) and was absent from large population studies. In addition, a different amino acid change at the same position (p.Ala356Asn) has been identified in 1 ma le with XLHED suggesting that a change at this position may not be tolerated (Mo nreal 2008). Computational prediction tools and conservation analysis suggest th at the p.Ala356Val variant may impact the protein, though this information is no t predictive enough to determine pathogenicity. In summary, although additional studies are required to fully establish its clinical significance, the p.Ala356V al variant is likely pathogenic.

Literature cited by the submitters: PubMed 9683615 (cited by Labcorp Genetics (formerly Invitae), Labcorp and Laboratory for Molecular Medicine, Mass General Brigham Personalized Medicine); PubMed 11279189 (cited by Labcorp Genetics (formerly Invitae), Labcorp); PubMed 20979233 (cited by Labcorp Genetics (formerly Invitae), Labcorp and Laboratory for Molecular Medicine, Mass General Brigham Personalized Medicine); PubMed 20236127 (cited by Laboratory for Molecular Medicine, Mass General Brigham Personalized Medicine).